The following is an entry in ClinVar:

NM_003126.4(SPTA1):c.7134+5G>A

Gene: SPTA1 (spectrin alpha, erythrocytic 1; minus strand). Cytogenetic location: 1q23.1.
Variant type: single nucleotide variant.
Coding change: c.7134+5G>A on transcript NM_003126.4 (MANE Select); 5 bases into the intron after coding-DNA position 7134, G replaced by A.
Molecular consequence: intron variant.
Genome position (GRCh38, 1-based): chr1:158,612,812, C>T on the plus strand (G>A on the coding strand, the complement: SPTA1 is on the minus strand). VCF-style: chr1-158612812-C-T. GRCh37 (hg19) VCF-style: chr1-158582602-C-T.
Identifiers: ClinVar variation 3716889 (VCV003716889.2).
Genomic context (GRCh38, chr1:158,612,812, plus strand): 5'-GGCCTGAGATGACCAGAATTCAAATTAGGATGACAGTGTAGTAGGGGAAGCAACCAGAAT[C>T]GGACCTGCTTCATGTCTTCTTTGGTAATATATGACTTGCCCTCTGCCAGGGCTTGGAAGG-3'

ClinVar aggregate classification (germline): Uncertain significance (1 of 4 stars; one submission).

gnomAD v4.1: 9 of 1,613,680 alleles (0.00056%); highest among the groups gnomAD compares: South Asian, 0.0011%; no homozygotes.

Submission:

Labcorp Genetics (formerly Invitae), Labcorp
Classification: Uncertain significance. Last evaluated: 2024-04-26. Review status: criteria provided, single submitter. Criteria: Invitae Variant Classification Sherloc (09022015). Collection method: clinical testing. Allele origin: germline.
Comment: This sequence change falls in intron 51 of the SPTA1 gene. It does not directly change the encoded amino acid sequence of the SPTA1 protein. It affects a nucleotide within the consensus splice site. This variant is present in population databases (no rsID available, gnomAD 0.003%). This variant has not been reported in the literature in individuals affected with SPTA1-related conditions. Variants that disrupt the consensus splice site are a relatively common cause of aberrant splicing (PMID: 17576681, 9536098). Algorithms developed to predict the effect of sequence changes on RNA splicing suggest that this variant may disrupt the consensus splice site. In summary, the available evidence is currently insufficient to determine the role of this variant in disease. Therefore, it has been classified as a Variant of Uncertain Significance.

Literature cited by the submitters: PubMed 17576681; PubMed 9536098.